The following is an entry in ClinVar:

NC_000007.13:g.(?_33644477)_(33767915_?)dup

Gene: BBS9 (Bardet-Biedl syndrome 9; plus strand). Cytogenetic location: 7p14.3.
Variant type: Duplication.
Identifiers: ClinVar variation 2427657 (VCV002427657.3).

ClinVar aggregate classification (germline): Uncertain significance (1 of 4 stars; one submission).

Conditions:
Bardet-Biedl syndrome (BBS). Identifiers: Orphanet 110, MedGen C0752166, MONDO:0015229.

Submission:

Labcorp Genetics (formerly Invitae), Labcorp
Classification: Uncertain significance for Bardet-Biedl syndrome. Last evaluated: 2022-10-05. Review status: criteria provided, single submitter. Criteria: Invitae Variant Classification Sherloc (09022015). Collection method: clinical testing. Allele origin: germline.
Comment: This variant results in a copy number gain of the genomic region encompassing exon(s) 22-23 of the BBS9 gene. This region includes the termination codon of the gene. This copy number gain extends beyond the assayed region for this gene and therefore may encompass additional genes. As the precise location of this event is unknown, it may be in tandem or it may be located elsewhere in the genome. This variant has not been reported in the literature in individuals affected with BBS9-related conditions. Experimental studies and prediction algorithms are not available or were not evaluated, and the functional significance of this variant is currently unknown. In summary, the available evidence is currently insufficient to determine the role of this variant in disease. Therefore, it has been classified as a Variant of Uncertain Significance.